The following is an entry in ClinVar:

ClinVar aggregate classification (germline): Uncertain significance (1 of 4 stars; one submission).

Conditions:
Hypertrophic cardiomyopathy. Also called: HYPERTROPHIC MYOCARDIOPATHY. Identifiers: Orphanet 217569, MedGen C0007194, MeSH D002312, MONDO:0005045, HP:0001639.

Submission:

Labcorp Genetics (formerly Invitae), Labcorp
Classification: Uncertain significance for Hypertrophic cardiomyopathy. Last evaluated: 2024-08-11. Review status: criteria provided, single submitter. Criteria: Invitae Variant Classification Sherloc (09022015). Collection method: clinical testing. Allele origin: germline.
Comment: This sequence change replaces glutamic acid, which is acidic and polar, with alanine, which is neutral and non-polar, at codon 142 of the TPM1 protein (p.Glu142Ala). This variant is not present in population databases (gnomAD no frequency). This variant has not been reported in the literature in individuals affected with TPM1-related conditions. An algorithm developed to predict the effect of missense changes on protein structure and function (PolyPhen-2) suggests that this variant is likely to be disruptive. In summary, the available evidence is currently insufficient to determine the role of this variant in disease. Therefore, it has been classified as a Variant of Uncertain Significance.

NM_001018005.2(TPM1):c.425A>C (p.Glu142Ala)

Gene: TPM1 (tropomyosin 1; plus strand). Cytogenetic location: 15q22.2.
Variant type: single nucleotide variant.
Coding change: c.425A>C on transcript NM_001018005.2 (MANE Select); coding-DNA position 425, A replaced by C.
Protein change: p.Glu142Ala; replaces glutamic acid 142 with alanine.
Molecular consequence: missense variant. On other transcripts: non-coding transcript variant (17).
Genome position (GRCh38, 1-based): chr15:63,059,613, A>C. VCF-style: chr15-63059613-A-C. GRCh37 (hg19) VCF-style: chr15-63351812-A-C.
Other names: c.425A>C, p.Glu142Ala (NM_000366.6, NM_001018004.2, NM_001018006.2 and 20 more transcripts); c.317A>C, p.Glu106Ala (NM_001018008.2, NM_001301289.2, NM_001330344.2 and 9 more transcripts); c.551A>C, p.Glu184Ala (NM_001407323.1, NM_001407324.1, NM_001365778.1 and 1 more transcripts); short protein forms E106A, E184A, E142A.
Identifiers: ClinVar variation 3661961 (VCV003661961.2).